The following is an entry in ClinVar:

NM_005908.4(MANBA):c.1318-1G>T

Gene: MANBA (mannosidase beta; minus strand). Cytogenetic location: 4q24.
Variant type: single nucleotide variant.
Coding change: c.1318-1G>T on transcript NM_005908.4 (MANE Select); the canonical splice acceptor site of the intron before coding-DNA position 1318, G replaced by T.
Molecular consequence: splice acceptor variant.
Genome position (GRCh38, 1-based): chr4:102,664,853, C>A on the plus strand (G>T on the coding strand, the complement: MANBA is on the minus strand). VCF-style: chr4-102664853-C-A. GRCh37 (hg19) VCF-style: chr4-103586010-C-A.
Identifiers: ClinVar variation 446030 (VCV000446030.8), dbSNP rs374545788, ClinGen allele CA3026933.
Genomic context (GRCh38, chr4:102,664,853, plus strand): 5'-CTCATTTTCATTATTGCCACTCCATATGATGATAGAAGGATGAGATTTCAGTCTCTTGAT[C>A]TGAAAATTAAGAAAACATAAAATGATTTTCAAAGAGTTAACATAAAAAATTCAGAGCTAT-3'

ClinVar aggregate classification (germline): Conflicting classifications of pathogenicity. Review status: criteria provided, conflicting classifications (1 of 4 stars). 4 submissions from 4 submitters: Likely pathogenic (3); Uncertain significance (1). Last evaluated 2025-12-11.

Conditions:
MANBA-related disorder. Also called: MANBA-related condition.
Beta-D-mannosidosis (MANSB). Also called: MANNOSIDOSIS, BETA A, LYSOSOMAL; Beta-Mannosidosis; BETA-MANNOSIDASE DEFICIENCY; LYSOSOMAL BETA-MANNOSIDASE DEFICIENCY. Identifiers: Orphanet 118, MedGen C4048196, MONDO:0009562, OMIM 248510.

Allele frequency attached by ClinVar (database versions not stated): TOPMed 0.00001; ExAC 0.00003; gnomAD exomes 0.00003 and 0.00004; ESP Exome Variant Server 0.00008.
gnomAD v4.1: 49 of 1,594,092 alleles (0.0031%); highest among the groups gnomAD compares: Non-Finnish European, 0.004%; no homozygotes.

Submissions (4):

Labcorp Genetics (formerly Invitae), Labcorp
Classification: Likely pathogenic for Beta-D-mannosidosis. Last evaluated: 2025-12-11. Review status: criteria provided, single submitter. Criteria: Invitae Variant Classification Sherloc (09022015). Collection method: clinical testing. Allele origin: germline.
Comment: This sequence change affects an acceptor splice site in intron 10 of the MANBA gene. It is expected to disrupt RNA splicing. Variants that disrupt the donor or acceptor splice site typically lead to a loss of protein function (PMID: 16199547), and loss-of-function variants in MANBA are known to be pathogenic (PMID: 9384606, 12468273). This variant is present in population databases (rs374545788, gnomAD 0.007%). This variant has not been reported in the literature in individuals affected with MANBA-related conditions. ClinVar contains an entry for this variant (Variation ID: 446030). Algorithms developed to predict the effect of sequence changes on RNA splicing suggest that this variant may disrupt the consensus splice site. In summary, the currently available evidence indicates that the variant is pathogenic, but additional data are needed to prove that conclusively. Therefore, this variant has been classified as Likely Pathogenic.

PreventionGenetics, part of Exact Sciences
Classification: Likely pathogenic for MANBA-related condition. Last evaluated: 2025-05-17. Review status: criteria provided, single submitter. Criteria: ACMG Guidelines, 2015. Collection method: clinical testing. Allele origin: germline.
Comment: The MANBA c.1318-1G>T variant is predicted to disrupt the AG splice acceptor site and interfere with normal splicing. To our knowledge, this variant has not been reported in literature. This variant is reported in 0.0079% of alleles in individuals of European (Non-Finnish) descent in gnomAD. Variants that disrupt the consensus splice acceptor site in MANBA are expected to be pathogenic. This variant is interpreted as likely pathogenic.

Blueprint Genetics
Classification: Uncertain significance. Last evaluated: 2024-02-20. Review status: criteria provided, single submitter. Criteria: ACMG Guidelines, 2015. Collection method: clinical testing. Allele origin: germline.

Center for Pediatric Genomic Medicine, Children's Mercy Hospital and Clinics
Classification: Likely pathogenic. Last evaluated: 2017-08-09. Review status: criteria provided, single submitter. Criteria: ACMG Guidelines, 2015. Collection method: clinical testing. Allele origin: germline.

Literature cited by the submitters: PubMed 16199547 (cited by Labcorp Genetics (formerly Invitae), Labcorp); PubMed 9384606 (cited by Labcorp Genetics (formerly Invitae), Labcorp); PubMed 12468273 (cited by Labcorp Genetics (formerly Invitae), Labcorp).